The following is an entry in ClinVar:

ClinVar aggregate classification (germline): Uncertain significance (1 of 4 stars; one submission).

Conditions:
Hereditary cancer-predisposing syndrome. Also called: Hereditary neoplastic syndrome; Neoplastic Syndromes, Hereditary; Tumor predisposition; Hereditary Cancer Syndrome. Identifiers: Orphanet 140162, MedGen C0027672, MeSH D009386, MONDO:0015356.

Submission:

Ambry Genetics
Classification: Uncertain significance for Hereditary cancer-predisposing syndrome. Last evaluated: 2020-01-06. Review status: criteria provided, single submitter. Criteria: Ambry Variant Classification Scheme 2023. Collection method: clinical testing. Allele origin: germline.
Comment: The p.M2821L variant (also known as c.8461A>C), located in coding exon 57 of the ATM gene, results from an A to C substitution at nucleotide position 8461. The methionine at codon 2821 is replaced by leucine, an amino acid with highly similar properties. This amino acid position is highly conserved through mammals but not in all available vertebrate species. In addition, this alteration is predicted to be tolerated by in silico analysis. Since supporting evidence is limited at this time, the clinical significance of this alteration remains unclear.

NM_000051.4(ATM):c.8461A>C (p.Met2821Leu)

Genes: ATM (ATM serine/threonine kinase; plus strand), C11orf65 (chromosome 11 open reading frame 65; minus strand). Cytogenetic location: 11q22.3.
Variant type: single nucleotide variant.
Coding change: c.8461A>C on transcript NM_000051.4 (MANE Select); coding-DNA position 8461, A replaced by C.
Protein change: p.Met2821Leu; replaces methionine 2821 with leucine.
Molecular consequence: missense variant. On other transcripts: intron variant (2).
Genome position (GRCh38, 1-based): chr11:108,345,785, A>C. VCF-style: chr11-108345785-A-C. GRCh37 (hg19) VCF-style: chr11-108216512-A-C.
Other names: c.8461A>C, p.Met2821Leu (NM_001351834.2); c.641-36714T>G (NM_001330368.2); c.695-10493T>G (NM_001351110.2); short protein forms M2821L.
Identifiers: ClinVar variation 1763467 (VCV001763467.2), dbSNP rs876660081, ClinGen allele CA382517944.